The following is an entry in ClinVar:

NM_001040108.2(MLH3):c.2450G>C (p.Ser817Thr)

Gene: MLH3 (mutL homolog 3; minus strand). Cytogenetic location: 14q24.3.
Variant type: single nucleotide variant.
Coding change: c.2450G>C on transcript NM_001040108.2 (MANE Select); coding-DNA position 2450, G replaced by C.
Protein change: p.Ser817Thr; replaces serine 817 with threonine.
Molecular consequence: missense variant.
Genome position (GRCh38, 1-based): chr14:75,047,206, C>G on the plus strand (G>C on the coding strand, the complement: MLH3 is on the minus strand). VCF-style: chr14-75047206-C-G. GRCh37 (hg19) VCF-style: chr14-75513909-C-G.
Other names: c.2450G>C, p.Ser817Thr (NM_014381.3); short protein forms S817T.
Identifiers: ClinVar variation 4108647 (VCV004108647.1).

ClinVar aggregate classification (germline): Uncertain significance (1 of 4 stars; one submission).

gnomAD v4.1: 2 of 1,614,140 alleles (0.00012%); highest among the groups gnomAD compares: South Asian, 0.0011%; no homozygotes.

Submission:

Ambry Genetics
Classification: Uncertain significance. Last evaluated: 2025-07-25. Review status: criteria provided, single submitter. Criteria: Ambry Variant Classification Scheme 2023. Collection method: clinical testing. Allele origin: germline.
Comment: The p.S817T variant (also known as c.2450G>C), located in coding exon 1 of the MLH3 gene, results from a G to C substitution at nucleotide position 2450. The serine at codon 817 is replaced by threonine, an amino acid with similar properties. This amino acid position is conserved. In addition, this alteration is predicted to be tolerated by in silico analysis. Based on the available evidence, the clinical significance of this variant remains unclear.